The following is an entry in ClinVar:

NM_000642.3(AGL):c.685C>T (p.Gln229Ter)

Gene: AGL (amylo-alpha-1,6-glucosidase and 4-alpha-glucanotransferase; plus strand). Cytogenetic location: 1p21.2.
Variant type: single nucleotide variant.
Coding change: c.685C>T on transcript NM_000642.3 (MANE Select); coding-DNA position 685, C replaced by T.
Protein change: p.Gln229Ter; replaces glutamine 229 with a stop codon.
Molecular consequence: nonsense.
Genome position (GRCh38, 1-based): chr1:99,870,420, C>T. VCF-style: chr1-99870420-C-T. GRCh37 (hg19) VCF-style: chr1-100335976-C-T.
Other names: c.685C>T (NM_000642.2); c.685C>T, p.Gln229Ter (NM_000028.3, NM_000643.3, NM_000644.3 and 3 more transcripts); c.637C>T, p.Gln213Ter (NM_000646.3); c.481C>T, p.Gln161Ter (NM_001425328.1, NM_001425329.1); c.307C>T, p.Gln103Ter (NM_001425332.1); short protein forms Q213*, Q229*, Q103*, Q161*.
Identifiers: ClinVar variation 1069430 (VCV001069430.9), dbSNP rs971749992, ClinGen allele CA27568658.

ClinVar aggregate classification (germline): Pathogenic/Likely pathogenic. Review status: criteria provided, multiple submitters, no conflicts (2 of 4 stars). 2 submissions from 2 submitters: Pathogenic (1); Likely pathogenic (1). Last evaluated 2024-01-16.

Conditions:
Glycogen storage disease type III (GSD3). Also called: Cori disease; FORBES DISEASE. Identifiers: Orphanet 366, MedGen C0017922, MONDO:0009291, OMIM 232400.

Allele frequency attached by ClinVar (database versions not stated): TOPMed below 0.00001; gnomAD 0.00001.
gnomAD v4.1: 1 of 1,613,768 alleles (0.000062%); highest among the groups gnomAD compares: African/African-American, 0.0013%; no homozygotes.

Submissions (2):

Baylor Genetics
Classification: Likely pathogenic for Glycogen storage disease type III. Last evaluated: 2024-01-16. Review status: criteria provided, single submitter. Criteria: ACMG Guidelines, 2015. Collection method: clinical testing. Allele origin: unknown.

Labcorp Genetics (formerly Invitae), Labcorp
Classification: Pathogenic for Glycogen storage disease type III. Last evaluated: 2023-11-25. Review status: criteria provided, single submitter. Criteria: Invitae Variant Classification Sherloc (09022015). Collection method: clinical testing. Allele origin: germline.
Comment: This sequence change creates a premature translational stop signal (p.Gln229*) in the AGL gene. It is expected to result in an absent or disrupted protein product. Loss-of-function variants in AGL are known to be pathogenic (PMID: 19299494). This variant is not present in population databases (gnomAD no frequency). This variant has not been reported in the literature in individuals affected with AGL-related conditions. ClinVar contains an entry for this variant (Variation ID: 1069430). Algorithms developed to predict the effect of sequence changes on RNA splicing suggest that this variant may disrupt the consensus splice site. For these reasons, this variant has been classified as Pathogenic.

Literature cited by the submitters: PubMed 19299494 (cited by Labcorp Genetics (formerly Invitae), Labcorp).